The following is an entry in ClinVar:

NM_000143.4(FH):c.1127A>C (p.Gln376Pro)

Gene: FH (fumarate hydratase; minus strand). Cytogenetic location: 1q43.
Variant type: single nucleotide variant.
Coding change: c.1127A>C on transcript NM_000143.4 (MANE Select); coding-DNA position 1127, A replaced by C.
Protein change: p.Gln376Pro; replaces glutamine 376 with proline.
Molecular consequence: missense variant.
Genome position (GRCh38, 1-based): chr1:241,502,552, T>G on the plus strand (A>C on the coding strand, the complement: FH is on the minus strand). VCF-style: chr1-241502552-T-G. GRCh37 (hg19) VCF-style: chr1-241665852-T-G.
Other names: p.Q376P:CAG>CCG; p.Gln376Pro; short protein forms Q376P.
Identifiers: ClinVar variation 42094 (VCV000042094.50), dbSNP rs200796606, ClinGen allele CA189211.
Genomic context (GRCh38, chr1:241,502,552, plus strand): 5'-ACAGTGACAGCAACATGGTTCCCCATGACTTGGGCTGCAACCATGGTCATTGCTTCACAC[T>G]GAGTAGGGTTCACCTTGCCTTCAAGAAAACCACCAATGACAGAGTAAAGACTAAATTTAT-3'
Protein context (NP_000134.2, residues 366-386): SIMPGKVNPT[Gln376Pro]CEAMTMVAAQ

ClinVar aggregate classification (germline): Conflicting classifications of pathogenicity. Review status: criteria provided, conflicting classifications (1 of 4 stars). 17 submissions from 17 submitters: Pathogenic (8); Likely pathogenic (4); Uncertain significance (1). 4 of the submissions do not count toward it. Last evaluated 2025-12-17.

Conditions:
FH-related disorder. Also called: FH-related disorders; FH-related condition.
Hereditary cancer-predisposing syndrome. Also called: Hereditary Cancer Syndrome; Neoplastic Syndromes, Hereditary; Hereditary neoplastic syndrome; Tumor predisposition. Identifiers: Orphanet 140162, MedGen C0027672, MeSH D009386, MONDO:0015356.
Fumarase deficiency (FMRD). Also called: Fumaric aciduria; Fumarate Hydratase Deficiency. Identifiers: Orphanet 24, MedGen C0342770, MONDO:0011730, OMIM 606812.
Hereditary leiomyomatosis and renal cell cancer. Also called: Multiple cutaneous leiomyomas; MULTIPLE CUTANEOUS AND UTERINE LEIOMYOMATA 1, WITH OR WITHOUT RENAL CELL CARCINOMA; Reed syndrome; Multiple cutaneous and uterine leiomyomatosis; Cutaneous leiomyomata with uterine leiomyomata; Leiomyoma, hereditary multiple, of skin. Identifiers: Orphanet 523, MedGen C1708350, MONDO:0007888, OMIM 150800, HP:0007437. Disease mechanism: loss of function.
Hepatocellular carcinoma (HCC). Also called: Primary carcinoma of liver; HEPATOMA; LIVER CELL CARCINOMA. Identifiers: Orphanet 88673, MedGen C2239176, MONDO:0007256, OMIM 114550, HP:0001402.

Allele frequency attached by ClinVar (database versions not stated): ESP Exome Variant Server 0.00008; ExAC 0.00009; gnomAD 0.00005; gnomAD exomes 0.00005 and 0.00006; TOPMed 0.00007.
gnomAD v4.1: 75 of 1,614,038 alleles (0.0046%); highest among the groups gnomAD compares: Non-Finnish European, 0.0053%; no homozygotes.

Submissions 1 to 6 of 18:

Natera, Inc.
Classification: Likely pathogenic for Fumarase Deficiency. Last evaluated: 2025-12-17. Review status: criteria provided, single submitter. Criteria: Natera Variant Classification Schema (03/2026). Collection method: clinical testing. Allele origin: germline.
Comment: The c.1127A>C variant in FH is a missense variant predicted to cause substitution of glutamine to proline at amino acid 376. This variant is rare in the general population with a frequency below the threshold expected for the associated phenotype(s). This variant has been observed in one or more individuals affected with the associated recessive disease, as either homozygous or compound heterozygous with a second variant (PMID: 10896297, 15221078). Functional studies show that this variant may disrupt protein function (PMID: 10896297, 15221078). Computational prediction algorithms indicate this variant is likely to affect gene or protein function. Given the available evidence, this variant is classified as Likely Pathogenic.

PreventionGenetics, part of Exact Sciences
Classification: Likely pathogenic for FH-related condition. Last evaluated: 2025-12-12. Review status: criteria provided, single submitter. Criteria: ACMG Guidelines, 2015. Collection method: clinical testing. Allele origin: germline.
Comment: The FH c.1127A>C variant is predicted to result in the amino acid substitution p.Gln376Pro. This variant has been reported in multiple individuals with autosomal recessive fumarase deficiency. It segregates with disease in affected family members, and functional studies support its pathogenicity (Remes et al. 2004. PubMed ID: 15221078; Picaud S et al. 2011. PubMed ID: 21445611; Chan MMY et al. 2017. PubMed ID: 28747166; Raimundo et al. 2008. PubMed ID: 18313410; Koivunen et al. 2007. PubMed ID: 17182618). This variant is reported in 0.011% of alleles in individuals of European (non-Finnish) descent in gnomAD. This variant is interpreted as likely pathogenic for autosomal recessive fumarase deficiency. In regard to autosomal dominant leiomyomatosis and renal cell cancer, this variant has observed in an individual with renal cell carcinoma (Table S1A, Yngvadottir et al. 2022. PubMed ID: 35441217). This variant has conflicting interpretations in ClinVar ranging from Pathogenic to uncertain (Variantion ID: 4209). We classify this change as a variant of uncertain significance in relation to autosomal dominant leiomyomatosis and renal cell cancer.

Labcorp Genetics (formerly Invitae), Labcorp
Classification: Pathogenic. Last evaluated: 2025-12-01. Review status: criteria provided, single submitter. Criteria: Invitae Variant Classification Sherloc (09022015). Collection method: clinical testing. Allele origin: germline.
Comment: This sequence change replaces glutamine, which is neutral and polar, with proline, which is neutral and non-polar, at codon 376 of the FH protein (p.Gln376Pro). This variant is present in population databases (rs200796606, gnomAD 0.01%). This missense change has been observed in individual(s) with fumarate hydratase deficiency (PMID: 10896297, 15221078, 16876016, 28747166). It has also been observed to segregate with disease in related individuals. This variant is also known as 998A>C, Gln13Pro, and Gln333Pro. ClinVar contains an entry for this variant (Variation ID: 42094). Invitae Evidence Modeling of protein sequence and biophysical properties (such as structural, functional, and spatial information, amino acid conservation, physicochemical variation, residue mobility, and thermodynamic stability) indicates that this missense variant is expected to disrupt FH protein function with a positive predictive value of 95%. Experimental studies have shown that this missense change affects FH function (PMID: 17182618, 18313410). For these reasons, this variant has been classified as Pathogenic.

GeneDx
Classification: Pathogenic. Last evaluated: 2025-11-12. Review status: criteria provided, single submitter. Criteria: GeneDx Variant Classification Process June 2021. Collection method: clinical testing. Allele origin: germline. Affected: yes.
Comment: Observed in either the homozygous state or in trans with another FH variant in individuals with fumarate hydratase (FH) deficiency referred for genetic testing at GeneDx and in the literature; however the parents and other heterozygous relatives of these individuals were not reported as having features of hereditary leiomyomatosis and renal cell cancer (HLRCC) (PMID: 10896297, 15221078, 16876016, 28747166); Studies suggest that in the heterozygous state, this variant is not associated with an increased risk to develop HLRCC-related tumors; however, there have been recent reports of this variant observed in individuals with history of renal cell carcinoma and/or pheochromocytomas (PMID: 18366737, 34994643, 34439371, 35971132, 35441217); Published functional studies demonstrate a damaging effect: the variant abolishes enzymatic activity and disrupts FH tetramerization (PMID: 37255402); Not observed at significant frequency in large population cohorts (gnomAD); In silico analysis supports that this missense variant has a deleterious effect on protein structure/function; Also known as 998A>C, Gln333Pro, and Gln13Pro; This variant is associated with the following publications: (PMID: 19151755, 25637381, 21445611, 15221078, 17182618, 18313410, 20549362, 10896297, 28747166, 16155190, 20301679, 18366737, 35971132, 34439371, 35441217, 36612198, 34994643, 16876016, 36672771, 23210851, 37255402, 40008663)

Mayo Clinic Laboratories, Mayo Clinic
Classification: Pathogenic. Last evaluated: 2025-05-09. Review status: criteria provided, single submitter. Criteria: ACMG Guidelines, 2015. Collection method: clinical testing. Allele origin: germline. Observed: 1 variant allele.
Comment: PP3_strong, PP4, PM2_supporting, PM3_strong, PS3, PS4

Ambry Genetics
Classification: Uncertain significance for Hereditary cancer-predisposing syndrome. Last evaluated: 2025-03-24. Review status: criteria provided, single submitter. Criteria: Ambry Variant Classification Scheme 2023. Collection method: clinical testing. Allele origin: germline.
Comment: The p.Q376P variant (also known as c.1127A>C), located in coding exon 8 of the FH gene, results from an A to C substitution at nucleotide position 1127. The glutamine at codon 376 is replaced by proline, an amino acid with similar properties. This alteration has been identified in a homozygous state or in conjunction with other FH alterations in individuals affected with autosomal recessive FH deficiency and was found to segregate with disease in siblings from these families (Remes AM et al. J. Mol. Med., 2004 Aug;82:550-4; Phillips TM et al. Pediatr. Neurol., 2006 Aug;35:150-3; Zeman J et al. J. Inherit. Metab. Dis., 2000 Jun;23:371-4; Chan MMY et al. BMC Med. Genet., 2017 07;18:79). In the cases where parents of these children who carried this alteration were ascertained for autosomal dominant HLRCC no evidence of uterine or dermal leiomyomas or renal manifestations were identified, despite half the normal fumarate hydratase activity in their blood mononuclear cells (Remes AM et al. J. Mol. Med., 2004 Aug;82:550-4; Chan MMY et al. BMC Med. Genet., 2017 07;18:79; Zeman J et al. J. Inherit. Metab. Dis., 2000 Jun;23:371-4). Cells derived from a homozygous patient showed other cellular anomalies including abnormal protein profiles, FH cellular localization, and cellular growth (Raimundo N et al. Biochim. Biophys. Acta, 2008 May;1782:287-94; Raimundo N et al. Oncogene, 2009 Mar;28:1261-73). This alteration lies withing a core helix and is predicted to affect subunit interactions and the structural integrity of the protein (Picaud S et al. J. Inherit. Metab. Dis., 2011 Jun;34:671-6; Ambry internal data). Of note, this alteration is also designated as c.998A>C in published literature. This amino acid position is highly conserved in available vertebrate species. In addition, this alteration is predicted to be deleterious by in silico analysis. Based on the majority of available evidence to date, this variant is expected to be causative of autosomal recessive FH deficiency when present along with a second likely pathogenic/ pathogenic variant on the other allele; however, the clinical significance for autosomal dominiant HLRCC is unclear.